The following is an entry in ClinVar:

ClinVar aggregate classification (germline): Conflicting classifications of pathogenicity. Review status: criteria provided, conflicting classifications (1 of 4 stars). 6 submissions from 6 submitters: Uncertain significance (2); Likely benign (4). Last evaluated 2026-01-25.

Conditions:
PKD2-related disorder. Also called: PKD2-related condition.
Autosomal dominant polycystic kidney disease. Identifiers: Orphanet 730, MedGen C0085413, MONDO:0004691.

Allele frequency attached by ClinVar (database versions not stated): gnomAD 0.00001 and 0.00009; TOPMed 0.00003; ExAC 0.00017; gnomAD exomes 0.00023; 1000 Genomes Project 30x 0.00062; 1000 Genomes Project 0.00080.
gnomAD v4.1: 161 of 1,517,140 alleles (0.011%); highest among the groups gnomAD compares: South Asian, 0.085%; no homozygotes.

Submissions (6):

Labcorp Genetics (formerly Invitae), Labcorp
Classification: Likely benign for Autosomal dominant polycystic kidney disease. Last evaluated: 2026-01-25. Review status: criteria provided, single submitter. Criteria: Invitae Variant Classification Sherloc (09022015). Collection method: clinical testing. Allele origin: germline.

CeGaT Center for Human Genetics Tuebingen
Classification: Uncertain significance. Last evaluated: 2025-10-01. Review status: criteria provided, single submitter. Criteria: CeGaT Center For Human Genetics Tuebingen Variant Classification Criteria Version 2. Collection method: clinical testing. Allele origin: germline. Affected: yes. Observed: 1 variant allele.

PreventionGenetics, part of Exact Sciences
Classification: Likely benign for PKD2-related condition. Last evaluated: 2025-07-07. Review status: criteria provided, single submitter. Criteria: ACMG Guidelines, 2015. Collection method: clinical testing. Allele origin: germline.
Comment: This variant is classified as likely benign based on ACMG/AMP sequence variant interpretation guidelines (Richards et al. 2015 PMID: 25741868, with internal and published modifications).

Mayo Clinic Laboratories, Mayo Clinic
Classification: Likely benign. Last evaluated: 2025-01-29. Review status: criteria provided, single submitter. Criteria: ACMG Guidelines, 2015. Collection method: clinical testing. Allele origin: germline. Observed: 1 variant allele.
Comment: BS1, BP4_moderate

Blueprint Genetics
Classification: Likely benign. Last evaluated: 2024-05-29. Review status: criteria provided, single submitter. Criteria: ACMG Guidelines, 2015. Collection method: clinical testing. Allele origin: germline.

Department of Pathology and Laboratory Medicine, Sinai Health System
Classification: Uncertain significance. Last evaluated: 2016-07-29. Review status: criteria provided, single submitter. Criteria: ACMG Guidelines, 2015. Collection method: clinical testing. Allele origin: germline. Affected: yes. Study: The Canadian Open Genetics Repository (COGR).

Literature cited by the submitters: PubMed 28378423 (cited by Mayo Clinic Laboratories, Mayo Clinic).

NM_000297.4(PKD2):c.361G>T (p.Gly121Cys)

Genes: PKD2 (polycystin 2, transient receptor potential cation channel; plus strand), LOC129992813 (ATAC-STARR-seq lymphoblastoid silent region 15559; plus strand). Cytogenetic location: 4q22.1.
Variant type: single nucleotide variant.
Coding change: c.361G>T on transcript NM_000297.4 (MANE Select); coding-DNA position 361, G replaced by T.
Protein change: p.Gly121Cys; replaces glycine 121 with cysteine.
Molecular consequence: missense variant. On other transcripts: non-coding transcript variant (1).
Genome position (GRCh38, 1-based): chr4:88,008,094, G>T. VCF-style: chr4-88008094-G-T. GRCh37 (hg19) VCF-style: chr4-88929246-G-T.
Other names: short protein forms G121C.
Identifiers: ClinVar variation 434012 (VCV000434012.23), dbSNP rs371898195, ClinGen allele CA3003723.